The following is an entry in ClinVar:

ClinVar aggregate classification (germline): Uncertain significance. Review status: criteria provided, multiple submitters, no conflicts (2 of 4 stars). 3 submissions from 3 submitters: Uncertain significance (3). Last evaluated 2025-12-24.

Conditions:
Cardiovascular phenotype. Identifiers: MedGen CN230736.
Dilated cardiomyopathy 1JJ (CMD1JJ). Identifiers: Orphanet 154, MedGen C3808935, MONDO:0014095, OMIM 615235.

Allele frequency attached by ClinVar (database versions not stated): gnomAD exomes below 0.00001; gnomAD 0.00001; ExAC 0.00002.
gnomAD v4.1: 2 of 1,607,258 alleles (0.00012%); highest among the groups gnomAD compares: Admixed American, 0.0034%; no homozygotes.

Submissions (3):

Ambry Genetics
Classification: Uncertain significance for Cardiovascular phenotype. Last evaluated: 2025-12-24. Review status: criteria provided, single submitter. Criteria: Ambry Variant Classification Scheme 2023. Collection method: clinical testing. Allele origin: germline.
Comment: The p.A31V variant (also known as c.92C>T), located in coding exon 1 of the LAMA4 gene, results from a C to T substitution at nucleotide position 92. The alanine at codon 31 is replaced by valine, an amino acid with similar properties. This amino acid position is conserved. In addition, this alteration is predicted to be tolerated by in silico analysis. Based on the available evidence, the clinical significance of this variant remains unclear.

GeneDx
Classification: Uncertain significance. Last evaluated: 2025-06-10. Review status: criteria provided, single submitter. Criteria: GeneDx Variant Classification Process June 2021. Collection method: clinical testing. Allele origin: germline. Affected: yes.
Comment: Not observed at significant frequency in large population cohorts (gnomAD); In silico analysis supports that this missense variant has a deleterious effect on protein structure/function; Has not been previously published as pathogenic or benign to our knowledge

Labcorp Genetics (formerly Invitae), Labcorp
Classification: Uncertain significance for Dilated cardiomyopathy 1JJ. Last evaluated: 2024-05-18. Review status: criteria provided, single submitter. Criteria: Invitae Variant Classification Sherloc (09022015). Collection method: clinical testing. Allele origin: germline.
Comment: This sequence change replaces alanine, which is neutral and non-polar, with valine, which is neutral and non-polar, at codon 31 of the LAMA4 protein (p.Ala31Val). This variant is present in population databases (rs782705643, gnomAD 0.003%). This variant has not been reported in the literature in individuals affected with LAMA4-related conditions. ClinVar contains an entry for this variant (Variation ID: 999036). An algorithm developed to predict the effect of missense changes on protein structure and function (PolyPhen-2) suggests that this variant is likely to be tolerated. In summary, the available evidence is currently insufficient to determine the role of this variant in disease. Therefore, it has been classified as a Variant of Uncertain Significance.

NM_001105206.3(LAMA4):c.92C>T (p.Ala31Val)

Genes: LAMA4 (laminin subunit alpha 4; minus strand), LAMA4-AS1 (LAMA4 antisense RNA 1; plus strand). Cytogenetic location: 6q21.
Variant type: single nucleotide variant.
Coding change: c.92C>T on transcript NM_001105206.3 (MANE Select); coding-DNA position 92, C replaced by T.
Protein change: p.Ala31Val; replaces alanine 31 with valine.
Molecular consequence: missense variant.
Genome position (GRCh38, 1-based): chr6:112,254,059, G>A on the plus strand (C>T on the coding strand, the complement: LAMA4 is on the minus strand). VCF-style: chr6-112254059-G-A. GRCh37 (hg19) VCF-style: chr6-112575261-G-A.
Other names: c.92C>T, p.Ala31Val (NM_001105207.3, NM_001105208.3, NM_001105209.3 and 1 more transcripts); c.92C>T (NM_002290.3); short protein forms A31V.
Identifiers: ClinVar variation 999036 (VCV000999036.10), dbSNP rs782705643, ClinGen allele CA3966338.